The following is an entry in ClinVar:

NM_018344.6(SLC29A3):c.530G>A (p.Gly177Asp)

Gene: SLC29A3 (solute carrier family 29 member 3; plus strand). Cytogenetic location: 10q22.1.
Variant type: single nucleotide variant.
Coding change: c.530G>A on transcript NM_018344.6 (MANE Select); coding-DNA position 530, G replaced by A.
Protein change: p.Gly177Asp; replaces glycine 177 with aspartic acid.
Molecular consequence: missense variant. On other transcripts: non-coding transcript variant (1).
Genome position (GRCh38, 1-based): chr10:71,351,708, G>A. VCF-style: chr10-71351708-G-A. GRCh37 (hg19) VCF-style: chr10-73111465-G-A.
Other names: c.530G>A, p.Gly177Asp (NM_001174098.2); c.296G>A, p.Gly99Asp (NM_001363518.2); short protein forms G177D, G99D.
Identifiers: ClinVar variation 880015 (VCV000880015.7), dbSNP rs1013295413, ClinGen allele CA209384162.

ClinVar aggregate classification (germline): Uncertain significance. Review status: criteria provided, multiple submitters, no conflicts (2 of 4 stars). 2 submissions from 2 submitters: Uncertain significance (2). Last evaluated 2022-03-16.

Conditions:
H syndrome. Also called: Pigmented hypertrichosis and insulin-dependent diabetes mellitus; Asrar Facharzt Haque syndrome; Histiocytosis with joint contractures and sensorineural deafness; FAISALABAD HISTIOCYTOSIS; HISTIOCYTOSIS AND LYMPHADENOPATHY WITH OR WITHOUT CUTANEOUS, CARDIAC, AND/OR ENDOCRINE FEATURES, JOINT CONTRACTURES, AND/OR DEAFNESS; HYPERPIGMENTATION, CUTANEOUS, WITH HYPERTRICHOSIS, HEPATOSPLENOMEGALY, HEART ANOMALIES, AND HYPOGONADISM WITH OR WITHOUT HEARING LOSS. Identifiers: Orphanet 168569, MedGen C1864445, MONDO:0011273, OMIM 602782.

Allele frequency attached by ClinVar (database versions not stated): gnomAD exomes below 0.00001; TOPMed below 0.00001; gnomAD 0.00001.
gnomAD v4.1: 5 of 1,614,068 alleles (0.00031%); highest among the groups gnomAD compares: African/African-American, 0.0067%; no homozygotes.

Submissions (2):

Labcorp Genetics (formerly Invitae), Labcorp
Classification: Uncertain significance for H syndrome. Last evaluated: 2022-03-16. Review status: criteria provided, single submitter. Criteria: Invitae Variant Classification Sherloc (09022015). Collection method: clinical testing. Allele origin: germline.
Comment: This variant has not been reported in the literature in individuals affected with SLC29A3-related conditions. In summary, the available evidence is currently insufficient to determine the role of this variant in disease. Therefore, it has been classified as a Variant of Uncertain Significance. Algorithms developed to predict the effect of missense changes on protein structure and function are either unavailable or do not agree on the potential impact of this missense change (SIFT: "Tolerated"; PolyPhen-2: "Probably Damaging"; Align-GVGD: "Class C0"). ClinVar contains an entry for this variant (Variation ID: 880015). This variant is not present in population databases (gnomAD no frequency). This sequence change replaces glycine, which is neutral and non-polar, with aspartic acid, which is acidic and polar, at codon 177 of the SLC29A3 protein (p.Gly177Asp).

Illumina Laboratory Services, Illumina
Classification: Uncertain significance for H syndrome. Last evaluated: 2018-01-12. Review status: criteria provided, single submitter. Criteria: ICSL Variant Classification Criteria 13 December 2019. Collection method: clinical testing. Allele origin: germline.